The following is an entry in ClinVar:

NM_017617.5(NOTCH1):c.6517G>A (p.Ala2173Thr)

Gene: NOTCH1 (notch receptor 1; minus strand). Cytogenetic location: 9q34.3.
Variant type: single nucleotide variant.
Coding change: c.6517G>A on transcript NM_017617.5 (MANE Select); coding-DNA position 6517, G replaced by A.
Protein change: p.Ala2173Thr; replaces alanine 2173 with threonine.
Molecular consequence: missense variant.
Genome position (GRCh38, 1-based): chr9:136,497,222, C>T on the plus strand (G>A on the coding strand, the complement: NOTCH1 is on the minus strand). VCF-style: chr9-136497222-C-T. GRCh37 (hg19) VCF-style: chr9-139391674-C-T.
Other names: c.6517G>A, p.Ala2173Thr (LRG_1122t1); short protein forms A2173T.
Identifiers: ClinVar variation 409040 (VCV000409040.8), dbSNP rs1060502234, ClinGen allele CA16612664.

ClinVar aggregate classification (germline): Uncertain significance (1 of 4 stars; one submission).

Conditions:
Adams-Oliver syndrome 5 (AOS5). Identifiers: Orphanet 974, MedGen C4014970, MONDO:0014459, OMIM 616028.

Allele frequency attached by ClinVar (database versions not stated): gnomAD exomes below 0.00001.

Submission:

Labcorp Genetics (formerly Invitae), Labcorp
Classification: Uncertain significance for Adams-Oliver syndrome 5. Last evaluated: 2023-04-06. Review status: criteria provided, single submitter. Criteria: Invitae Variant Classification Sherloc (09022015). Collection method: clinical testing. Allele origin: germline.
Comment: In summary, the available evidence is currently insufficient to determine the role of this variant in disease. Therefore, it has been classified as a Variant of Uncertain Significance. Advanced modeling of protein sequence and biophysical properties (such as structural, functional, and spatial information, amino acid conservation, physicochemical variation, residue mobility, and thermodynamic stability) performed at Invitae indicates that this missense variant is not expected to disrupt NOTCH1 protein function. ClinVar contains an entry for this variant (Variation ID: 409040). This variant has not been reported in the literature in individuals affected with NOTCH1-related conditions. This variant is not present in population databases (gnomAD no frequency). This sequence change replaces alanine, which is neutral and non-polar, with threonine, which is neutral and polar, at codon 2173 of the NOTCH1 protein (p.Ala2173Thr).